The following is an entry in ClinVar:

NM_005055.5(RAPSN):c.175T>C (p.Tyr59His)

Gene: RAPSN (receptor associated protein of the synapse; minus strand). Cytogenetic location: 11p11.2.
Variant type: single nucleotide variant.
Coding change: c.175T>C on transcript NM_005055.5 (MANE Select); coding-DNA position 175, T replaced by C.
Protein change: p.Tyr59His; replaces tyrosine 59 with histidine.
Molecular consequence: missense variant.
Genome position (GRCh38, 1-based): chr11:47,448,790, A>G on the plus strand (T>C on the coding strand, the complement: RAPSN is on the minus strand). VCF-style: chr11-47448790-A-G. GRCh37 (hg19) VCF-style: chr11-47470342-A-G.
Other names: c.175T>C, p.Tyr59His (NM_032645.5); short protein forms Y59H.
Identifiers: ClinVar variation 476119 (VCV000476119.1), dbSNP rs1555143594, ClinGen allele CA380335761.

ClinVar aggregate classification (germline): Uncertain significance (1 of 4 stars; one submission).

Conditions:
Congenital myasthenic syndrome 11. Also called: Myasthenic syndrome, congenital, 11, associated with acetylcholine receptor deficiency; MYASTHENIC SYNDROME, CONGENITAL, Ie. Identifiers: Orphanet 590, MedGen C4225367, MONDO:0014588, OMIM 616326.
Fetal akinesia deformation sequence 1 (FADS1). Also called: Pena-Shokeir syndrome type I; Fetal akinesia sequence. Identifiers: Orphanet 994, MedGen C1276035, MONDO:0100101, OMIM 208150, HP:0001989.

Submission:

Labcorp Genetics (formerly Invitae), Labcorp
Classification: Uncertain significance for Congenital myasthenic syndrome 11; Fetal akinesia deformation sequence 1. Last evaluated: 2016-08-17. Review status: criteria provided, single submitter. Criteria: Invitae Variant Classification Sherloc (09022015). Collection method: clinical testing. Allele origin: germline.
Comment: This sequence change replaces tyrosine with histidine at codon 59 of the RAPSN protein (p.Tyr59His). The tyrosine residue is highly conserved and there is a moderate physicochemical difference between tyrosine and histidine. This variant is not present in population databases (ExAC no frequency) and has not been reported in the literature in individuals with a RAPSN-related disease. Algorithms developed to predict the effect of missense changes on protein structure and function (SIFT, PolyPhen-2, Align-GVGD) all suggest that this variant is likely to be disruptive, but these predictions have not been confirmed by published functional studies. In summary, this variant is a novel missense change with uncertain impact on protein function. It has been classified as a Variant of Uncertain Significance.